The following is an entry in ClinVar:

ClinVar aggregate classification (germline): Uncertain significance (1 of 4 stars; one submission).

Conditions:
Familial thoracic aortic aneurysm and aortic dissection (TAAD). Also called: Thoracic aortic aneurysms and dissections. Identifiers: Orphanet 91387, MedGen C4707243, MONDO:0019625.

Submission:

Ambry Genetics
Classification: Uncertain significance for Familial thoracic aortic aneurysm and aortic dissection. Last evaluated: 2026-07-28. Review status: criteria provided, single submitter. Criteria: Ambry Variant Classification Scheme 2023. Collection method: clinical testing. Allele origin: germline.
Comment: The p.N1586S variant (also known as c.4757A>G), located in coding exon 62 of the COL5A1 gene, results from an A to G substitution at nucleotide position 4757. The asparagine at codon 1586 is replaced by serine, an amino acid with highly similar properties. This amino acid position is conserved. In addition, this alteration is predicted to be tolerated by in silico analysis. Based on the available evidence, the clinical significance of this variant remains unclear.

NM_000093.5(COL5A1):c.4757A>G (p.Asn1586Ser)

Genes: COL5A1 (collagen type V alpha 1 chain; plus strand), LOC101448202 (uncharacterized LOC101448202; minus strand). Cytogenetic location: 9q34.3.
Variant type: single nucleotide variant.
Coding change: c.4757A>G on transcript NM_000093.5 (MANE Select); coding-DNA position 4757, A replaced by G.
Protein change: p.Asn1586Ser; replaces asparagine 1586 with serine.
Molecular consequence: missense variant.
Genome position (GRCh38, 1-based): chr9:134,824,658, A>G. VCF-style: chr9-134824658-A-G. GRCh37 (hg19) VCF-style: chr9-137716504-A-G.
Other names: c.4757A>G, p.Asn1586Ser (NM_001278074.1); short protein forms N1586S.
Identifiers: ClinVar variation 5034818 (VCV005034818.1).